The following is an entry in ClinVar:

NM_005055.5(RAPSN):c.445G>A (p.Ala149Thr)

Gene: RAPSN (receptor associated protein of the synapse; minus strand). Cytogenetic location: 11p11.2.
Variant type: single nucleotide variant.
Coding change: c.445G>A on transcript NM_005055.5 (MANE Select); coding-DNA position 445, G replaced by A.
Protein change: p.Ala149Thr; replaces alanine 149 with threonine.
Molecular consequence: missense variant.
Genome position (GRCh38, 1-based): chr11:47,447,898, C>T on the plus strand (G>A on the coding strand, the complement: RAPSN is on the minus strand). VCF-style: chr11-47447898-C-T. GRCh37 (hg19) VCF-style: chr11-47469450-C-T.
Other names: c.445G>A, p.Ala149Thr (NM_032645.5); short protein forms A149T.
Identifiers: ClinVar variation 542736 (VCV000542736.5), dbSNP rs1198813718, ClinGen allele CA380333929.

ClinVar aggregate classification (germline): Uncertain significance. Review status: criteria provided, multiple submitters, no conflicts (2 of 4 stars). 3 submissions from 3 submitters: Uncertain significance (3). Last evaluated 2024-02-28.

Conditions:
Inborn genetic diseases. Identifiers: MedGen C0950123, MeSH D030342.
Fetal akinesia deformation sequence 1 (FADS1). Also called: Pena-Shokeir syndrome type I; Fetal akinesia sequence. Identifiers: Orphanet 994, MedGen C1276035, MONDO:0100101, OMIM 208150, HP:0001989.
Congenital myasthenic syndrome 11. Also called: MYASTHENIC SYNDROME, CONGENITAL, Ie; Myasthenic syndrome, congenital, 11, associated with acetylcholine receptor deficiency. Identifiers: Orphanet 590, MedGen C4225367, MONDO:0014588, OMIM 616326.

Submissions (3):

Ambry Genetics
Classification: Uncertain significance for Inborn genetic diseases. Last evaluated: 2024-02-28. Review status: criteria provided, single submitter. Criteria: Ambry Variant Classification Scheme 2023. Collection method: clinical testing. Allele origin: germline.

Revvity Omics, Revvity
Classification: Uncertain significance. Last evaluated: 2019-03-05. Review status: criteria provided, single submitter. Criteria: ACMG Guidelines, 2015. Collection method: clinical testing. Allele origin: germline.

Labcorp Genetics (formerly Invitae), Labcorp
Classification: Uncertain significance for Congenital myasthenic syndrome 11; Fetal akinesia deformation sequence 1. Last evaluated: 2017-11-27. Review status: criteria provided, single submitter. Criteria: Invitae Variant Classification Sherloc (09022015). Collection method: clinical testing. Allele origin: germline.
Comment: This sequence change replaces alanine with threonine at codon 149 of the RAPSN protein (p.Ala149Thr). The alanine residue is highly conserved and there is a small physicochemical difference between alanine and threonine. This variant is not present in population databases (ExAC no frequency). This variant has not been reported in the literature in individuals with RAPSN-related disease. Algorithms developed to predict the effect of missense changes on protein structure and function do not agree on the potential impact of this missense change (SIFT: "Deleterious"; PolyPhen-2: "Probably Damaging"; Align-GVGD: "Class C0"). In summary, the available evidence is currently insufficient to determine the role of this variant in disease. Therefore, it has been classified as a Variant of Uncertain Significance.